The following is an entry in ClinVar:

ClinVar aggregate classification (germline): Uncertain significance (1 of 4 stars; one submission).

Submission:

Labcorp Genetics (formerly Invitae), Labcorp
Classification: Uncertain significance. Last evaluated: 2023-10-05. Review status: criteria provided, single submitter. Criteria: Invitae Variant Classification Sherloc (09022015). Collection method: clinical testing. Allele origin: germline.
Comment: This sequence change replaces alanine, which is neutral and non-polar, with proline, which is neutral and non-polar, at codon 780 of the CSF1R protein (p.Ala780Pro). This variant is not present in population databases (gnomAD no frequency). This variant has not been reported in the literature in individuals affected with CSF1R-related conditions. Advanced modeling of protein sequence and biophysical properties (such as structural, functional, and spatial information, amino acid conservation, physicochemical variation, residue mobility, and thermodynamic stability) has been performed at Invitae for this missense variant, however the output from this modeling did not meet the statistical confidence thresholds required to predict the impact of this variant on CSF1R protein function. In summary, the available evidence is currently insufficient to determine the role of this variant in disease. Therefore, it has been classified as a Variant of Uncertain Significance.

NM_001288705.3(CSF1R):c.2338G>C (p.Ala780Pro)

Gene: CSF1R (colony stimulating factor 1 receptor; minus strand). Cytogenetic location: 5q32.
Variant type: single nucleotide variant.
Coding change: c.2338G>C on transcript NM_001288705.3 (MANE Select); coding-DNA position 2338, G replaced by C.
Protein change: p.Ala780Pro; replaces alanine 780 with proline.
Molecular consequence: missense variant. On other transcripts: non-coding transcript variant (2).
Genome position (GRCh38, 1-based): chr5:150,056,323, C>G on the plus strand (G>C on the coding strand, the complement: CSF1R is on the minus strand). VCF-style: chr5-150056323-C-G. GRCh37 (hg19) VCF-style: chr5-149435886-C-G.
Other names: c.2338G>C, p.Ala780Pro (NM_001349736.2, NM_001375320.1, NM_005211.4); c.1894G>C, p.Ala632Pro (NM_001375321.1); short protein forms A780P, A632P.
Identifiers: ClinVar variation 2766045 (VCV002766045.3), dbSNP rs2113779605, ClinGen allele CA361759028.
Genomic context (GRCh38, chr5:150,056,323, plus strand): 5'-CCAGCCCGAAGTCCCCAATCTTGGCCACATGACCATTGGTCAACAGCACGTTACGCGCTG[C>G]CACGTCCCGGTGGATGCACTGAGGGAAAGCACTGCAGGGTTAGTCTTGGGCCTTCTCCTA-3'
Protein context (NP_001275634.1, residues 770-790): ASKNCIHRDV[Ala780Pro]ARNVLLTNGH